The following is an entry in ClinVar:

NM_001048174.2(MUTYH):c.151G>C (p.Ala51Pro)

Gene: MUTYH (mutY DNA glycosylase; minus strand). Cytogenetic location: 1p34.1.
Variant type: single nucleotide variant.
Coding change: c.151G>C on transcript NM_001048174.2 (MANE Select); coding-DNA position 151, G replaced by C.
Protein change: p.Ala51Pro; replaces alanine 51 with proline.
Molecular consequence: missense variant. On other transcripts: 5 prime UTR variant (1), non-coding transcript variant (2), intron variant (3).
Genome position (GRCh38, 1-based): chr1:45,333,526, C>G on the plus strand (G>C on the coding strand, the complement: MUTYH is on the minus strand). VCF-style: chr1-45333526-C-G. GRCh37 (hg19) VCF-style: chr1-45799198-C-G.
Other names: c.184G>C, p.Ala62Pro (NM_001293191.2); c.151G>C, p.Ala51Pro (NM_001293195.2, NM_001048171.2, NM_001048173.2); c.-121G>C (NM_001350650.2); c.226G>C, p.Ala76Pro (NM_012222.3); c.-92-29G>C (NM_001350651.2); c.-97-29G>C (NM_001293192.2, NM_001293196.2); c.154G>C, p.Ala52Pro (NM_001048172.2); c.235G>C, p.Ala79Pro (NM_001128425.2); and 1 more; short protein forms A51P, A52P, A62P, A66P, A76P, A79P.
Identifiers: ClinVar variation 1171757 (VCV001171757.15), dbSNP rs1645377017, ClinGen allele CA340136576.

ClinVar aggregate classification (germline): Conflicting classifications of pathogenicity. Review status: criteria provided, conflicting classifications (1 of 4 stars). 3 submissions from 3 submitters: Uncertain significance (2); Benign (1). Last evaluated 2025-10-20.

Conditions:
Hereditary cancer-predisposing syndrome. Also called: Hereditary neoplastic syndrome; Hereditary Cancer Syndrome; Tumor predisposition; Neoplastic Syndromes, Hereditary. Identifiers: Orphanet 140162, MedGen C0027672, MeSH D009386, MONDO:0015356.
Familial adenomatous polyposis 2. Also called: COLORECTAL ADENOMATOUS POLYPOSIS, AUTOSOMAL RECESSIVE; ADENOMAS, MULTIPLE COLORECTAL, AUTOSOMAL RECESSIVE; MUTYH Polyposis; MUTYH-related attenuated familial adenomatous polyposis; Adenomas, multiple colorectal; FAP type 2. Identifiers: Orphanet 220460, Orphanet 247798, MedGen C3272841, MONDO:0012041, OMIM 608456.

Allele frequency attached by ClinVar (database versions not stated): gnomAD exomes below 0.00001.
gnomAD v4.1: 2 of 1,614,190 alleles (0.00012%); highest among the groups gnomAD compares: South Asian, 0.0011%; no homozygotes.

Submissions (3):

Labcorp Genetics (formerly Invitae), Labcorp
Classification: Uncertain significance for Familial adenomatous polyposis 2. Last evaluated: 2025-10-20. Review status: criteria provided, single submitter. Criteria: Invitae Variant Classification Sherloc (09022015). Collection method: clinical testing. Allele origin: germline.
Comment: This sequence change replaces alanine, which is neutral and non-polar, with proline, which is neutral and non-polar, at codon 79 of the MUTYH protein (p.Ala79Pro). This variant is not present in population databases (gnomAD no frequency). This variant has not been reported in the literature in individuals affected with MUTYH-related conditions. ClinVar contains an entry for this variant (Variation ID: 1171757). An algorithm developed to predict the effect of missense changes on protein structure and function (PolyPhen-2) suggests that this variant is likely to be tolerated. In summary, the available evidence is currently insufficient to determine the role of this variant in disease. Therefore, it has been classified as a Variant of Uncertain Significance.

Ambry Genetics
Classification: Benign for Hereditary cancer-predisposing syndrome. Last evaluated: 2025-09-09. Review status: criteria provided, single submitter. Criteria: Ambry Variant Classification Scheme 2023. Collection method: clinical testing. Allele origin: germline.

Color Diagnostics, LLC DBA Color Health
Classification: Uncertain significance for Hereditary cancer-predisposing syndrome. Last evaluated: 2024-03-06. Review status: criteria provided, single submitter. Criteria: ACMG Guidelines, 2015. Collection method: clinical testing. Allele origin: germline.
Comment: This missense variant replaces alanine with proline at codon 79 of the MUTYH protein. Computational prediction suggests that this variant may not impact protein structure and function (internally defined REVEL score threshold <= 0.5, PMID: 27666373). To our knowledge, functional studies have not been reported for this variant. This variant has not been reported in individuals affected with hereditary cancer in the literature. This variant has not been identified in the general population by the Genome Aggregation Database (gnomAD). The available evidence is insufficient to determine the role of this variant in disease conclusively. Therefore, this variant is classified as a Variant of Uncertain Significance.